The following is an entry in ClinVar:

ClinVar aggregate classification (germline): Uncertain significance. Review status: criteria provided, multiple submitters, no conflicts (2 of 4 stars). 3 submissions from 3 submitters: Uncertain significance (3). Last evaluated 2024-11-08.

gnomAD v4.1: 380 of 1,613,916 alleles (0.024%); highest among the groups gnomAD compares: Middle Eastern, 0.18%; no homozygotes.

Submissions (3):

Blueprint Genetics
Classification: Uncertain significance. Last evaluated: 2024-11-08. Review status: criteria provided, single submitter. Criteria: ACMG Guidelines, 2015. Collection method: clinical testing. Allele origin: germline.

Ambry Genetics
Classification: Uncertain significance. Last evaluated: 2024-08-01. Review status: criteria provided, single submitter. Criteria: Ambry Variant Classification Scheme 2023. Collection method: clinical testing. Allele origin: germline.

Mayo Clinic Laboratories, Mayo Clinic
Classification: Uncertain significance. Last evaluated: 2023-09-21. Review status: criteria provided, single submitter. Criteria: ACMG Guidelines, 2015. Collection method: clinical testing. Allele origin: germline. Observed: 1 variant allele.
Comment: BP4

NM_032782.5(HAVCR2):c.524A>G (p.Gln175Arg)

Gene: HAVCR2 (hepatitis A virus cellular receptor 2; minus strand). Cytogenetic location: 5q33.3.
Variant type: single nucleotide variant.
Coding change: c.524A>G on transcript NM_032782.5 (MANE Select); coding-DNA position 524, A replaced by G.
Protein change: p.Gln175Arg; replaces glutamine 175 with arginine.
Molecular consequence: missense variant.
Genome position (GRCh38, 1-based): chr5:157,095,458, T>C on the plus strand (A>G on the coding strand, the complement: HAVCR2 is on the minus strand). VCF-style: chr5-157095458-T-C. GRCh37 (hg19) VCF-style: chr5-156522469-T-C.
Other names: p.Gln175Arg; c.524A>G (NM_032782.3); short protein forms Q175R.
Identifiers: ClinVar variation 3379615 (VCV003379615.3).